The following is an entry in ClinVar:

NM_006231.4(POLE):c.2662_2665del (p.Val888fs)

Gene: POLE (DNA polymerase epsilon, catalytic subunit; minus strand). Cytogenetic location: 12q24.33.
Variant type: Deletion.
Coding change: c.2662_2665del on transcript NM_006231.4 (MANE Select); coding-DNA positions 2662 to 2665, 4 bases deleted (GTGA; older notation c.2662_2665delGTGA).
Protein change: p.Val888fs; shifts the reading frame from valine 888.
Molecular consequence: frameshift variant.
Genome position (GRCh38, 1-based): chr12:132,664,045-132,664,048, TCAC deleted on the plus strand (GTGA on the coding strand, the reverse complement: POLE is on the minus strand); deleting any 4 consecutive bases within chr12:132,664,045-132,664,049 gives the same sequence; the c. name uses the placement nearest the transcript's 3' end. VCF-style (leftmost placement, unchanged base first): chr12-132664044-GTCAC-G. GRCh37 (hg19) VCF-style: chr12-133240630-GTCAC-G.
Other names: short protein forms V888fs.
Identifiers: ClinVar variation 1518105 (VCV001518105.8), dbSNP rs2135956665, ClinGen allele CA2573148243.

ClinVar aggregate classification (germline): Pathogenic (1 of 4 stars; one submission).

Submission:

Labcorp Genetics (formerly Invitae), Labcorp
Classification: Pathogenic. Last evaluated: 2022-05-12. Review status: criteria provided, single submitter. Criteria: Invitae Variant Classification Sherloc (09022015). Collection method: clinical testing. Allele origin: germline.
Comment: This sequence change creates a premature translational stop signal (p.Val888Profs*9) in the POLE gene. It is expected to result in an absent or disrupted protein product. Loss-of-function variants in POLE are known to be pathogenic (PMID: 23230001, 25948378, 30503519). This variant has not been reported in the literature in individuals affected with POLE-related conditions. This variant is not present in population databases (gnomAD no frequency). For these reasons, this variant has been classified as Pathogenic.

Literature cited by the submitters: PubMed 23230001; PubMed 25948378; PubMed 30503519.